The following is an entry in ClinVar:

NM_001128159.3(VPS53):c.1565C>G (p.Thr522Ser)

Genes: VPS53 (VPS53 subunit of GARP complex; minus strand), LOC126862456 (CDK7 strongly-dependent group 2 enhancer GRCh37_chr17:463241-464440; plus strand). Cytogenetic location: 17p13.3.
Variant type: single nucleotide variant.
Coding change: c.1565C>G on transcript NM_001128159.3 (MANE Select); coding-DNA position 1565, C replaced by G.
Protein change: p.Thr522Ser; replaces threonine 522 with serine.
Molecular consequence: missense variant.
Genome position (GRCh38, 1-based): chr17:560,565, G>C on the plus strand (C>G on the coding strand, the complement: VPS53 is on the minus strand). VCF-style: chr17-560565-G-C. GRCh37 (hg19) VCF-style: chr17-463805-G-C.
Other names: c.1565C>G, p.Thr522Ser (NM_001366253.2); c.971C>G, p.Thr324Ser (NM_001366254.2); c.1478C>G, p.Thr493Ser (NM_018289.4); short protein forms T324S, T493S, T522S.
Identifiers: ClinVar variation 1306643 (VCV001306643.2), dbSNP rs998879804, ClinGen allele CA286638464.

ClinVar aggregate classification (germline): Uncertain significance (1 of 4 stars; one submission).

Allele frequency attached by ClinVar (database versions not stated): gnomAD 0.00001; gnomAD exomes 0.00001 and 0.00002; TOPMed 0.00002.
gnomAD v4.1: 8 of 1,613,464 alleles (0.0005%); highest among the groups gnomAD compares: Admixed American, 0.0067%; no homozygotes.

Submission:

GeneDx
Classification: Uncertain significance. Last evaluated: 2019-06-25. Review status: criteria provided, single submitter. Criteria: GeneDx Variant Classification Process June 2021. Collection method: clinical testing. Allele origin: germline. Affected: yes.
Comment: Not observed at a significant frequency in large population cohorts (Lek et al., 2016); In silico analysis, which includes protein predictors and evolutionary conservation, supports that this variant does not alter protein structure/function; Has not been previously published as pathogenic or benign to our knowledge